The following is an entry in ClinVar:

NM_014290.3(TDRD7):c.1341C>T (p.Thr447=)

Gene: TDRD7 (tudor domain containing 7; plus strand). Cytogenetic location: 9q22.33.
Variant type: single nucleotide variant.
Coding change: c.1341C>T on transcript NM_014290.3 (MANE Select); coding-DNA position 1341, C replaced by T.
Protein change: p.Thr447=; no amino-acid change (threonine 447 retained).
Molecular consequence: synonymous variant.
Genome position (GRCh38, 1-based): chr9:97,460,663, C>T. VCF-style: chr9-97460663-C-T. GRCh37 (hg19) VCF-style: chr9-100222945-C-T.
Other names: c.1119C>T, p.Thr373= (NM_001302884.2); c.1341C>T (NM_014290.2).
Identifiers: ClinVar variation 1124545 (VCV001124545.12), dbSNP rs143511562, ClinGen allele CA5146639.

ClinVar aggregate classification (germline): Likely benign. Review status: criteria provided, multiple submitters, no conflicts (2 of 4 stars). 3 submissions from 3 submitters: Likely benign (2). 1 of the submissions does not count toward it. Last evaluated 2019-10-27.

Conditions:
TDRD7-related disorder. Also called: TDRD7-related condition.
Cataract 36. Identifiers: MedGen C3151304, MONDO:0013484, OMIM 613887.

Allele frequency attached by ClinVar (database versions not stated): gnomAD exomes 0.00003 and 0.00009; ExAC 0.00009; gnomAD 0.00034 and 0.00035; ESP Exome Variant Server 0.00038; TOPMed 0.00039; 1000 Genomes Project 0.00060; 1000 Genomes Project 30x 0.00062.
gnomAD v4.1: 101 of 1,614,088 alleles (0.0063%); highest among the groups gnomAD compares: African/African-American, 0.12%; no homozygotes.

Submissions (3):

Labcorp Genetics (formerly Invitae), Labcorp
Classification: Likely benign for Cataract 36. Last evaluated: 2019-10-27. Review status: criteria provided, single submitter. Criteria: Invitae Variant Classification Sherloc (09022015). Collection method: clinical testing. Allele origin: germline.

Breakthrough Genomics
Classification: Likely benign. Review status: criteria provided, single submitter. Criteria: ACMG Guidelines, 2015. Collection method: not provided. Allele origin: germline. Inheritance: Autosomal recessive inheritance. Affected: yes.

PreventionGenetics, part of Exact Sciences
Classification: Likely benign for TDRD7-related condition. Last evaluated: 2019-05-01. Review status: no assertion criteria provided. Collection method: clinical testing. Allele origin: germline. Not counted in ClinVar's aggregate classification.
Comment: This variant is classified as likely benign based on ACMG/AMP sequence variant interpretation guidelines (Richards et al. 2015 PMID: 25741868, with internal and published modifications).